The following is an entry in ClinVar:

ClinVar aggregate classification (germline): Conflicting classifications of pathogenicity. Review status: criteria provided, conflicting classifications (1 of 4 stars). 3 submissions from 3 submitters: Uncertain significance (1); Likely benign (2). Last evaluated 2022-06-10.

Conditions:
Charcot-Marie-Tooth disease type 4. Also called: Charcot-Marie-Tooth disease, type IV; Charcot-Marie-Tooth, Type 4. Identifiers: Orphanet 64749, MedGen C4082197, MONDO:0018995.
Charcot-Marie-Tooth disease. Also called: Charcot-Marie-Tooth Neuropathy; Charcot-Marie-Tooth Hereditary Neuropathy. Identifiers: Orphanet 166, MedGen C0007959, MONDO:0015626.

Allele frequency attached by ClinVar (database versions not stated): gnomAD exomes below 0.00001; TOPMed below 0.00001; gnomAD 0.00003.
gnomAD v4.1: 2 of 1,469,772 alleles (0.00014%); highest among the groups gnomAD compares: Middle Eastern, 0.017%; no homozygotes.

Submissions (3):

Labcorp Genetics (formerly Invitae), Labcorp
Classification: Uncertain significance for Charcot-Marie-Tooth disease type 4. Last evaluated: 2022-06-10. Review status: criteria provided, single submitter. Criteria: Invitae Variant Classification Sherloc (09022015). Collection method: clinical testing. Allele origin: germline.
Comment: This sequence change falls in intron 4 of the SBF2 gene. It does not directly change the encoded amino acid sequence of the SBF2 protein. This variant is present in population databases (no rsID available, gnomAD 0.007%). This variant has not been reported in the literature in individuals affected with SBF2-related conditions. ClinVar contains an entry for this variant (Variation ID: 511048). Algorithms developed to predict the effect of sequence changes on RNA splicing suggest that this variant may create or strengthen a splice site. In summary, the available evidence is currently insufficient to determine the role of this variant in disease. Therefore, it has been classified as a Variant of Uncertain Significance.

GeneDx
Classification: Likely benign. Last evaluated: 2017-07-25. Review status: criteria provided, single submitter. Criteria: GeneDx Variant Classification (06012015). Collection method: clinical testing. Allele origin: germline. Affected: yes.
Comment: This variant is considered likely benign or benign based on one or more of the following criteria: it is a conservative change, it occurs at a poorly conserved position in the protein, it is predicted to be benign by multiple in silico algorithms, and/or has population frequency not consistent with disease.

Molecular Genetics Laboratory, London Health Sciences Centre
Classification: Likely benign for Charcot-Marie-Tooth disease. Review status: criteria provided, single submitter. Criteria: ACMG Guidelines, 2015. Collection method: clinical testing. Allele origin: germline. Affected: yes.

NM_030962.4(SBF2):c.403-15T>G

Gene: SBF2 (SET binding factor 2; minus strand). Cytogenetic location: 11p15.4.
Variant type: single nucleotide variant.
Coding change: c.403-15T>G on transcript NM_030962.4 (MANE Select); 15 bases into the intron before coding-DNA position 403, T replaced by G.
Molecular consequence: intron variant.
Genome position (GRCh38, 1-based): chr11:10,029,890, A>C on the plus strand (T>G on the coding strand, the complement: SBF2 is on the minus strand). VCF-style: chr11-10029890-A-C. GRCh37 (hg19) VCF-style: chr11-10051437-A-C.
Other names: c.403-15T>G (NM_001386342.1, NM_001386339.1).
Identifiers: ClinVar variation 511048 (VCV000511048.9), dbSNP rs887143579, ClinGen allele CA217678420.
Genomic context (GRCh38, chr11:10,029,890, plus strand): 5'-CATTCAGGCTGTCCACATACACGGTATAGATCAAACCCAGGCAAGCCTGCAAAAAGATAA[A>C]TACATGTAATTATTTCATGGAAAAAGCATTAAAAATAAATTGTTATGACATCTGCTCTAG-3'